The following is an entry in ClinVar:

NM_000245.4(MET):c.2578A>G (p.Ile860Val)

Gene: MET (MET proto-oncogene, receptor tyrosine kinase; plus strand). Cytogenetic location: 7q31.2.
Variant type: single nucleotide variant.
Coding change: c.2578A>G on transcript NM_000245.4 (MANE Select); coding-DNA position 2578, A replaced by G.
Protein change: p.Ile860Val; replaces isoleucine 860 with valine.
Molecular consequence: missense variant.
Genome position (GRCh38, 1-based): chr7:116,763,263, A>G. VCF-style: chr7-116763263-A-G. GRCh37 (hg19) VCF-style: chr7-116403317-A-G.
Other names: c.2632A>G, p.Ile878Val (NM_001127500.3); c.2578A>G, p.Ile860Val (NM_001324401.3); c.1288A>G, p.Ile430Val (NM_001324402.2); short protein forms I430V, I860V, I878V.
Identifiers: ClinVar variation 3232942 (VCV003232942.1), dbSNP rs2485743435, ClinGen allele CA368983709.
Genomic context (GRCh38, chr7:116,763,263, plus strand): 5'-GTGTTTAAGCCTTTTGAAAAGCCAGTGATGATCTCAATGGGCAATGAAAATGTACTGGAA[A>G]TTAAGGTAAGAAATGCTTTAAACACTGTCTTAAATCATCAGCTCAAACTTAATTGACTTC-3'
Protein context (NP_000236.2, residues 850-870): ISMGNENVLE[Ile860Val]KGNDIDPEAV

ClinVar aggregate classification (germline): Uncertain significance (1 of 4 stars; one submission).

Conditions:
Hereditary cancer-predisposing syndrome. Also called: Neoplastic Syndromes, Hereditary; Tumor predisposition; Hereditary neoplastic syndrome; Hereditary Cancer Syndrome. Identifiers: Orphanet 140162, MedGen C0027672, MeSH D009386, MONDO:0015356.

Submission:

Ambry Genetics
Classification: Uncertain significance for Hereditary cancer-predisposing syndrome. Last evaluated: 2024-02-10. Review status: criteria provided, single submitter. Criteria: Ambry Variant Classification Scheme 2023. Collection method: clinical testing. Allele origin: germline.
Comment: The p.I878V variant (also known as c.2632A>G), located in coding exon 10 of the MET gene, results from an A to G substitution at nucleotide position 2632. The isoleucine at codon 878 is replaced by valine, an amino acid with highly similar properties. This amino acid position is conserved. In addition, this alteration is predicted to be tolerated by in silico analysis. Based on the available evidence, the clinical significance of this alteration remains unclear.